The following is an entry in ClinVar:

ClinVar aggregate classification (germline): Uncertain significance (1 of 4 stars; one submission).

Allele frequency attached by ClinVar (database versions not stated): gnomAD exomes below 0.00001; TOPMed below 0.00001.
gnomAD v4.1: 2 of 1,613,362 alleles (0.00012%); highest among the groups gnomAD compares: Admixed American, 0.0033%; no homozygotes.

Submission:

Labcorp Genetics (formerly Invitae), Labcorp
Classification: Uncertain significance. Last evaluated: 2025-12-01. Review status: criteria provided, single submitter. Criteria: Invitae Variant Classification Sherloc (09022015). Collection method: clinical testing. Allele origin: germline.
Comment: This sequence change replaces serine, which is neutral and polar, with tyrosine, which is neutral and polar, at codon 617 of the NEDD4L protein (p.Ser617Tyr). This variant is not present in population databases (gnomAD no frequency). This variant has not been reported in the literature in individuals affected with NEDD4L-related conditions. ClinVar contains an entry for this variant (Variation ID: 2420486). Invitae Evidence Modeling of protein sequence and biophysical properties (such as structural, functional, and spatial information, amino acid conservation, physicochemical variation, residue mobility, and thermodynamic stability) indicates that this missense variant is not expected to disrupt NEDD4L protein function with a negative predictive value of 80%. In summary, the available evidence is currently insufficient to determine the role of this variant in disease. Therefore, it has been classified as a Variant of Uncertain Significance.

NM_001144967.3(NEDD4L):c.1910C>A (p.Ser637Tyr)

Gene: NEDD4L (NEDD4 like E3 ubiquitin protein ligase; plus strand). Cytogenetic location: 18q21.31.
Variant type: single nucleotide variant.
Coding change: c.1910C>A on transcript NM_001144967.3 (MANE Select); coding-DNA position 1910, C replaced by A.
Protein change: p.Ser637Tyr; replaces serine 637 with tyrosine.
Molecular consequence: missense variant.
Genome position (GRCh38, 1-based): chr18:58,366,075, C>A. VCF-style: chr18-58366075-C-A. GRCh37 (hg19) VCF-style: chr18-56033307-C-A.
Other names: c.1547C>A, p.Ser516Tyr (NM_001144964.1, NM_001144965.2, NM_001144966.3); c.1886C>A, p.Ser629Tyr (NM_001144968.2); c.1826C>A, p.Ser609Tyr (NM_001144969.2); c.1487C>A, p.Ser496Tyr (NM_001144970.3, NM_001144971.2); c.1718C>A, p.Ser573Tyr (NM_001243960.2); c.1850C>A, p.Ser617Tyr (NM_015277.6); short protein forms S496Y, S516Y, S573Y, S609Y, S617Y, S629Y, S637Y.
Identifiers: ClinVar variation 2420486 (VCV002420486.6), dbSNP rs2046076914, ClinGen allele CA402546982.